The following is an entry in ClinVar:

NM_001735.3(C5):c.4433G>A (p.Arg1478Gln)

Gene: C5 (complement C5; minus strand). Cytogenetic location: 9q33.2.
Variant type: single nucleotide variant.
Coding change: c.4433G>A on transcript NM_001735.3 (MANE Select); coding-DNA position 4433, G replaced by A.
Protein change: p.Arg1478Gln; replaces arginine 1478 with glutamine.
Molecular consequence: missense variant.
Genome position (GRCh38, 1-based): chr9:120,962,742, C>T on the plus strand (G>A on the coding strand, the complement: C5 is on the minus strand). VCF-style: chr9-120962742-C-T. GRCh37 (hg19) VCF-style: chr9-123725020-C-T.
Other names: c.4451G>A, p.Arg1484Gln (NM_001317163.2); short protein forms R1478Q, R1484Q.
Identifiers: ClinVar variation 2201309 (VCV002201309.3), dbSNP rs775939939, ClinGen allele CA5217174.

ClinVar aggregate classification (germline): Uncertain significance (1 of 4 stars; one submission).

Allele frequency attached by ClinVar (database versions not stated): ExAC 0.00002; gnomAD 0.00005; gnomAD exomes 0.00007.
gnomAD v4.1: 113 of 1,613,836 alleles (0.007%); highest among the groups gnomAD compares: Non-Finnish European, 0.0085%; no homozygotes.

Submission:

Labcorp Genetics (formerly Invitae), Labcorp
Classification: Uncertain significance. Last evaluated: 2024-02-03. Review status: criteria provided, single submitter. Criteria: Invitae Variant Classification Sherloc (09022015). Collection method: clinical testing. Allele origin: germline.
Comment: This sequence change replaces arginine, which is basic and polar, with glutamine, which is neutral and polar, at codon 1478 of the C5 protein (p.Arg1478Gln). This variant is present in population databases (rs775939939, gnomAD 0.01%). This variant has not been reported in the literature in individuals affected with C5-related conditions. ClinVar contains an entry for this variant (Variation ID: 2201309). Advanced modeling of protein sequence and biophysical properties (such as structural, functional, and spatial information, amino acid conservation, physicochemical variation, residue mobility, and thermodynamic stability) performed at Invitae indicates that this missense variant is not expected to disrupt C5 protein function with a negative predictive value of 80%. Algorithms developed to predict the effect of sequence changes on RNA splicing suggest that this variant may disrupt the consensus splice site. In summary, the available evidence is currently insufficient to determine the role of this variant in disease. Therefore, it has been classified as a Variant of Uncertain Significance.